The following is an entry in ClinVar:

ClinVar aggregate classification (germline): Uncertain significance (1 of 4 stars; one submission).

Conditions:
Cardiovascular phenotype. Identifiers: MedGen CN230736.

Submission:

Ambry Genetics
Classification: Uncertain significance for Cardiovascular phenotype. Last evaluated: 2025-09-17. Review status: criteria provided, single submitter. Criteria: Ambry Variant Classification Scheme 2023. Collection method: clinical testing. Allele origin: germline.
Comment: The p.M589L variant (also known as c.1765A>T), located in coding exon 18 of the EYA4 gene, results from an A to T substitution at nucleotide position 1765. The methionine at codon 589 is replaced by leucine, an amino acid with highly similar properties. This amino acid position is conserved. In addition, the in silico prediction for this alteration is inconclusive. Based on the available evidence, the clinical significance of this variant remains unclear.

NM_004100.5(EYA4):c.1765A>T (p.Met589Leu)

Genes: EYA4 (EYA transcriptional coactivator and phosphatase 4; plus strand), TARID (TCF21 antisense RNA inducing promoter demethylation; minus strand). Cytogenetic location: 6q23.2.
Variant type: single nucleotide variant.
Coding change: c.1765A>T on transcript NM_004100.5 (MANE Select); coding-DNA position 1765, A replaced by T.
Protein change: p.Met589Leu; replaces methionine 589 with leucine.
Molecular consequence: missense variant. On other transcripts: intron variant (3).
Genome position (GRCh38, 1-based): chr6:133,525,180, A>T. VCF-style: chr6-133525180-A-T. GRCh37 (hg19) VCF-style: chr6-133846318-A-T.
Other names: c.1783A>T, p.Met595Leu (NM_001301013.2); c.1621A>T, p.Met541Leu (NM_001370459.1); c.1696A>T, p.Met566Leu (NM_172103.4); c.1839+65A>T (NM_172105.4); c.1770+65A>T (NM_001370458.1); c.1677+65A>T (NM_001301012.2); short protein forms M541L, M566L, M595L, M589L.
Identifiers: ClinVar variation 4614156 (VCV004614156.1).